The following is an entry in ClinVar:

NM_001148.6(ANK2):c.9018G>A (p.Met3006Ile)

Gene: ANK2 (ankyrin 2; plus strand). Cytogenetic location: 4q26.
Variant type: single nucleotide variant.
Coding change: c.9018G>A on transcript NM_001148.6 (MANE Select); coding-DNA position 9018, G replaced by A.
Protein change: p.Met3006Ile; replaces methionine 3006 with isoleucine.
Molecular consequence: missense variant. On other transcripts: intron variant (68).
Genome position (GRCh38, 1-based): chr4:113,357,636, G>A. VCF-style: chr4-113357636-G-A. GRCh37 (hg19) VCF-style: chr4-114278792-G-A.
Other names: c.8784G>A, p.Met2928Ile (NM_001386142.1); c.5418G>A, p.Met1806Ile (NM_001386166.1); c.9159G>A, p.Met3053Ile (NM_001386174.1); c.9135G>A, p.Met3045Ile (NM_001386175.1); c.4412-3187G>A (NM_001386186.2, NM_001386148.2); c.4214-3187G>A (NM_001354269.3); c.4292-3187G>A (NM_001386187.2); c.4253-3187G>A (NM_001386147.1); and 35 more; short protein forms M1806I, M2928I, M3006I, M3053I, M3045I.
Identifiers: ClinVar variation 1765485 (VCV001765485.2), dbSNP rs1167529807, ClinGen allele CA357936302.

ClinVar aggregate classification (germline): Uncertain significance (1 of 4 stars; one submission).

Conditions:
Cardiovascular phenotype. Identifiers: MedGen CN230736.

Submission:

Ambry Genetics
Classification: Uncertain significance for Cardiovascular phenotype. Last evaluated: 2022-07-23. Review status: criteria provided, single submitter. Criteria: Ambry Variant Classification Scheme 2023. Collection method: clinical testing. Allele origin: germline.
Comment: The p.M3006I variant (also known as c.9018G>A), located in coding exon 38 of the ANK2 gene, results from a G to A substitution at nucleotide position 9018. The methionine at codon 3006 is replaced by isoleucine, an amino acid with highly similar properties. This amino acid position is conserved. In addition, this alteration is predicted to be tolerated by in silico analysis. Since supporting evidence is limited at this time, the clinical significance of this alteration remains unclear.